The following is an entry in ClinVar:

ClinVar aggregate classification (germline): Pathogenic (1 of 4 stars; one submission).

Conditions:
Retinoblastoma (RB1). Also called: RETINOBLASTOMA, SOMATIC. Identifiers: Orphanet 790, MedGen C0035335, MeSH D012175, MONDO:0008380, OMIM 180200, HP:0009919. Disease mechanism: loss of function. Inheritance: Both sporadic and heritable forms are tested..

Submission:

Genetic Diagnostic Laboratory, University of Pennsylvania School of Medicine
Classification: Pathogenic for Retinoblastoma. Last evaluated: 2024-05-20. Review status: criteria provided, single submitter. Criteria: ACMG Guidelines, 2015. Collection method: clinical testing. Allele origin: germline. Affected: yes. Observed: 1 variant allele.
Comment: Case and Pedigree Information: BILATERAL CASES:1, UNILATERAL CASES:0, TOTAL CASES:1, PEDIGREES:1. ACMG Codes Applied:PVS1, PM2

NM_000321.3(RB1):c.1891del (p.Gln631fs)

Gene: RB1 (RB transcriptional corepressor 1; plus strand). Cytogenetic location: 13q14.2.
Variant type: Deletion.
Coding change: c.1891del on transcript NM_000321.3 (MANE Select); coding-DNA position 1891, one base deleted (C; older notation c.1891delC).
Protein change: p.Gln631fs; shifts the reading frame from glutamine 631.
Molecular consequence: frameshift variant.
Genome position (GRCh38, 1-based): chr13:48,456,280, C deleted. VCF-style (leftmost placement, unchanged base first): chr13-48456279-AC-A. GRCh37 (hg19) VCF-style: chr13-49030415-AC-A.
Other names: c.1891del, p.Gln631fs (NM_001407165.1); short protein forms Q631fs.
Identifiers: ClinVar variation 3237038 (VCV003237038.1), dbSNP rs2542364169.